The following is an entry in ClinVar:

NM_001005273.3(CHD3):c.2755C>G (p.Leu919Val)

Gene: CHD3 (chromodomain helicase DNA binding protein 3; plus strand). Cytogenetic location: 17p13.1.
Variant type: single nucleotide variant.
Coding change: c.2755C>G on transcript NM_001005273.3 (MANE Select); coding-DNA position 2755, C replaced by G.
Protein change: p.Leu919Val; replaces leucine 919 with valine.
Molecular consequence: missense variant.
Genome position (GRCh38, 1-based): chr17:7,900,362, C>G. VCF-style: chr17-7900362-C-G. GRCh37 (hg19) VCF-style: chr17-7803680-C-G.
Other names: c.2932C>G, p.Leu978Val (NM_001005271.3, NM_001437504.1); c.2920C>G, p.Leu974Val (NM_001437507.1, NM_001437508.1, NM_001437509.1); c.2755C>G, p.Leu919Val (NM_005852.4); short protein forms L974V, L919V, L978V.
Identifiers: ClinVar variation 5009221 (VCV005009221.1).

ClinVar aggregate classification (germline): Uncertain significance (1 of 4 stars; one submission).

Submission:

GeneDx
Classification: Uncertain significance. Last evaluated: 2026-02-14. Review status: criteria provided, single submitter. Criteria: GeneDx Variant Classification Process June 2021. Collection method: clinical testing. Allele origin: germline.
Comment: Not observed at significant frequency in large population cohorts (gnomAD); In silico analysis supports that this missense variant has a deleterious effect on protein structure/function; Has not been previously published as pathogenic or benign to our knowledge